The following is an entry in ClinVar:

NM_001365276.2(TNXB):c.7277C>T (p.Ser2426Leu)

Gene: TNXB (tenascin XB; minus strand). Cytogenetic location: 6p21.33.
Variant type: single nucleotide variant.
Coding change: c.7277C>T on transcript NM_001365276.2 (MANE Select); coding-DNA position 7277, C replaced by T.
Protein change: p.Ser2426Leu; replaces serine 2426 with leucine.
Molecular consequence: missense variant.
Genome position (GRCh38, 1-based): chr6:32,061,612, G>A on the plus strand (C>T on the coding strand, the complement: TNXB is on the minus strand). VCF-style: chr6-32061612-G-A. GRCh37 (hg19) VCF-style: chr6-32029389-G-A.
Other names: c.7277C>T, p.Ser2426Leu (NM_019105.8); short protein forms S2426L.
Identifiers: ClinVar variation 1758036 (VCV001758036.2), dbSNP rs747511703, ClinGen allele CA3734200.

ClinVar aggregate classification (germline): Uncertain significance (1 of 4 stars; one submission).

Conditions:
Cardiovascular phenotype. Identifiers: MedGen CN230736.

Allele frequency attached by ClinVar (database versions not stated): gnomAD 0.00001.

Submission:

Ambry Genetics
Classification: Uncertain significance for Cardiovascular phenotype. Last evaluated: 2022-07-19. Review status: criteria provided, single submitter. Criteria: Ambry Variant Classification Scheme 2023. Collection method: clinical testing. Allele origin: germline.
Comment: The p.S2426L variant (also known as c.7277C>T), located in coding exon 20 of the TNXB gene, results from a C to T substitution at nucleotide position 7277. The serine at codon 2426 is replaced by leucine, an amino acid with dissimilar properties. This amino acid position is conserved. In addition, the in silico prediction for this alteration is inconclusive. Since supporting evidence is limited at this time, the clinical significance of this alteration remains unclear.